The following is an entry in ClinVar:

ClinVar aggregate classification (germline): Pathogenic. Review status: criteria provided, multiple submitters, no conflicts (2 of 4 stars). 2 submissions from 2 submitters: Pathogenic (2). Last evaluated 2024-01-16.

Conditions:
Familial cancer of breast. Also called: Hereditary breast cancer; BREAST CANCER, FAMILIAL; hereditary breast carcinoma. Identifiers: Orphanet 227535, MedGen C0346153, MONDO:0016419, OMIM 114480. Disease mechanism: loss of function.
Ataxia-telangiectasia syndrome (AT). Also called: AT, COMPLEMENTATION GROUP C; Ataxia telangiectasia (A-T); Cerebello-oculocutaneous telangiectasia; Immunodeficiency with ataxia telangiectasia; LOUIS-BAR SYNDROME; Ataxia-telangiectasia. Identifiers: Orphanet 100, MedGen C0004135, MONDO:0008840, OMIM 208900.

Submissions (2):

Myriad Genetics, Inc.
Classification: Pathogenic for Familial cancer of breast. Last evaluated: 2024-01-16. Review status: criteria provided, single submitter. Criteria: Myriad Autosomal Dominant, Autosomal Recessive and X-Linked Classification Criteria (2023). Collection method: clinical testing. Allele origin: unknown.
Comment: This variant is considered pathogenic. This variant creates a termination codon and is predicted to result in premature protein truncation.

Labcorp Genetics (formerly Invitae), Labcorp
Classification: Pathogenic for Ataxia-telangiectasia syndrome. Last evaluated: 2020-01-16. Review status: criteria provided, single submitter. Criteria: Invitae Variant Classification Sherloc (09022015). Collection method: clinical testing. Allele origin: germline.
Comment: For these reasons, this variant has been classified as Pathogenic. This sequence change creates a premature translational stop signal (p.Ser478*) in the ATM gene. It is expected to result in an absent or disrupted protein product. This variant is not present in population databases (ExAC no frequency). This variant has not been reported in the literature in individuals with ATM-related conditions. Loss-of-function variants in ATM are known to be pathogenic (PMID: 23807571, 25614872).

Literature cited by the submitters: PubMed 23807571 (cited by Labcorp Genetics (formerly Invitae), Labcorp); PubMed 25614872 (cited by Labcorp Genetics (formerly Invitae), Labcorp).

NM_000051.4(ATM):c.1433C>A (p.Ser478Ter)

Gene: ATM (ATM serine/threonine kinase; plus strand). Cytogenetic location: 11q22.3.
Variant type: single nucleotide variant.
Coding change: c.1433C>A on transcript NM_000051.4 (MANE Select); coding-DNA position 1433, C replaced by A.
Protein change: p.Ser478Ter; replaces serine 478 with a stop codon.
Molecular consequence: nonsense.
Genome position (GRCh38, 1-based): chr11:108,250,898, C>A. VCF-style: chr11-108250898-C-A. GRCh37 (hg19) VCF-style: chr11-108121625-C-A.
Other names: c.1433C>A, p.Ser478Ter (NM_001351834.2); short protein forms S478*.
Identifiers: ClinVar variation 959839 (VCV000959839.8), dbSNP rs2080106350, ClinGen allele CA382534051.